The following is an entry in ClinVar:

NM_000538.4(RFXAP):c.634C>T (p.Gln212Ter)

Gene: RFXAP (regulatory factor X associated protein; plus strand). Cytogenetic location: 13q13.3.
Variant type: single nucleotide variant.
Coding change: c.634C>T on transcript NM_000538.4 (MANE Select); coding-DNA position 634, C replaced by T.
Protein change: p.Gln212Ter; replaces glutamine 212 with a stop codon.
Molecular consequence: nonsense.
Genome position (GRCh38, 1-based): chr13:36,825,461, C>T. VCF-style: chr13-36825461-C-T. GRCh37 (hg19) VCF-style: chr13-37399598-C-T.
Other names: short protein forms Q212*.
Identifiers: ClinVar variation 2570862 (VCV002570862.27), dbSNP rs1275835656, ClinGen allele CA387858043.
Genomic context (GRCh38, chr13:36,825,461, plus strand): 5'-TATTTGCATTTTTATCATTTATCCCAGGAAAGTGCAGATAACATACTCTCCATTGTTAAA[C>T]AAAGAACAGGATCTTTTGGGGATCGTCCTGCAAGACCTACTCTTTTAGAACAAGTGTTAA-3'

ClinVar aggregate classification (germline): Pathogenic (1 of 4 stars; one submission).

gnomAD v4.1: 1 of 1,612,878 alleles (0.000062%); no homozygotes.

Submission:

CeGaT Center for Human Genetics Tuebingen
Classification: Pathogenic. Last evaluated: 2023-04-01. Review status: criteria provided, single submitter. Criteria: CeGaT Center For Human Genetics Tuebingen Variant Classification Criteria Version 2. Collection method: clinical testing. Allele origin: germline. Affected: yes. Observed: 1 variant allele.
Comment: RFXAP: PVS1, PM2